The following is an entry in ClinVar:

NM_000179.3(MSH6):c.1347G>C (p.Leu449=)

Gene: MSH6 (mutS homolog 6; plus strand). Cytogenetic location: 2p16.3.
Variant type: single nucleotide variant.
Coding change: c.1347G>C on transcript NM_000179.3 (MANE Select); coding-DNA position 1347, G replaced by C.
Protein change: p.Leu449=; no amino-acid change (leucine 449 retained).
Molecular consequence: synonymous variant. On other transcripts: non-coding transcript variant (4), intron variant (1).
Genome position (GRCh38, 1-based): chr2:47,799,330, G>C. VCF-style: chr2-47799330-G-C. GRCh37 (hg19) VCF-style: chr2-48026469-G-C.
Other names: c.957G>C, p.Leu319= (NM_001281492.2); c.441G>C, p.Leu147= (NM_001281493.2, NM_001281494.2, NM_001406811.1 and 6 more transcripts); c.1443G>C, p.Leu481= (NM_001406795.1, NM_001406802.1); c.1347G>C, p.Leu449= (NM_001406796.1, NM_001406798.1, NM_001406800.1 and 4 more transcripts); c.1050G>C, p.Leu350= (NM_001406797.1, NM_001406801.1, NM_001406805.1 and 10 more transcripts); c.822G>C, p.Leu274= (NM_001406799.1, NM_001406806.1, NM_001406807.1); c.1269G>C, p.Leu423= (NM_001406804.1); c.1353G>C, p.Leu451= (NM_001406813.1); and 2 more.
Identifiers: ClinVar variation 2861976 (VCV002861976.5), dbSNP rs786201760, ClinGen allele CA426121060.

ClinVar aggregate classification (germline): Likely benign. Review status: criteria provided, single submitter (1 of 4 stars). 2 submissions from 2 submitters: Likely benign (1). 1 of the submissions does not count toward it. Last evaluated 2023-05-05.

Conditions:
MSH6-related disorder. Also called: MSH6-related condition; MSH6-Related disorders.
Hereditary nonpolyposis colorectal neoplasms. Identifiers: MedGen C0009405, MeSH D003123.

Submissions (2):

Labcorp Genetics (formerly Invitae), Labcorp
Classification: Likely benign for Hereditary nonpolyposis colorectal neoplasms. Last evaluated: 2023-05-05. Review status: criteria provided, single submitter. Criteria: Invitae Variant Classification Sherloc (09022015). Collection method: clinical testing. Allele origin: germline.

PreventionGenetics, part of Exact Sciences
Classification: Likely benign for MSH6-related condition. Last evaluated: 2021-12-23. Review status: no assertion criteria provided. Collection method: clinical testing. Allele origin: germline. Not counted in ClinVar's aggregate classification.
Comment: This variant is classified as likely benign based on ACMG/AMP sequence variant interpretation guidelines (Richards et al. 2015 PMID: 25741868, with internal and published modifications).